The following is an entry in ClinVar:

ClinVar aggregate classification (germline): Likely pathogenic (1 of 4 stars; one submission).

Allele frequency attached by ClinVar (database versions not stated): gnomAD exomes below 0.00001.
gnomAD v4.1: 1 of 1,612,690 alleles (0.000062%); highest among the groups gnomAD compares: Admixed American, 0.0017%; no homozygotes.

Submission:

Labcorp Genetics (formerly Invitae), Labcorp
Classification: Likely pathogenic. Last evaluated: 2024-08-15. Review status: criteria provided, single submitter. Criteria: Invitae Variant Classification Sherloc (09022015). Collection method: clinical testing. Allele origin: germline.
Comment: This sequence change affects a donor splice site in intron 12 of the ZMIZ1 gene. It is expected to disrupt RNA splicing. Variants that disrupt the donor or acceptor splice site typically lead to a loss of protein function (PMID: 16199547), and loss-of-function variants in ZMIZ1 are known to be pathogenic (PMID: 30639322). This variant is not present in population databases (gnomAD no frequency). This variant has not been reported in the literature in individuals affected with ZMIZ1-related conditions. ClinVar contains an entry for this variant (Variation ID: 1480952). Algorithms developed to predict the effect of sequence changes on RNA splicing suggest that this variant may disrupt the consensus splice site. In summary, the currently available evidence indicates that the variant is pathogenic, but additional data are needed to prove that conclusively. Therefore, this variant has been classified as Likely Pathogenic.

Literature cited by the submitters: PubMed 16199547; PubMed 30639322.

NM_020338.4(ZMIZ1):c.1230+2T>C

Gene: ZMIZ1 (zinc finger MIZ-type containing 1; plus strand). Cytogenetic location: 10q22.3.
Variant type: single nucleotide variant.
Coding change: c.1230+2T>C on transcript NM_020338.4 (MANE Select); the canonical splice donor site of the intron after coding-DNA position 1230, T replaced by C.
Molecular consequence: splice donor variant.
Genome position (GRCh38, 1-based): chr10:79,293,655, T>C. VCF-style: chr10-79293655-T-C. GRCh37 (hg19) VCF-style: chr10-81053412-T-C.
Identifiers: ClinVar variation 1480952 (VCV001480952.8), dbSNP rs1564591135, ClinGen allele CA377335187.